The following is an entry in ClinVar:

ClinVar aggregate classification (germline): Benign/Likely benign. Review status: criteria provided, multiple submitters, no conflicts (2 of 4 stars). 5 submissions from 5 submitters: Benign (1); Likely benign (3). 1 of the submissions does not count toward it. Last evaluated 2024-03-01.

Conditions:
EXO1-related disorder. Also called: EXO1-related condition.

Allele frequency attached by ClinVar (database versions not stated): 1000 Genomes Project 30x 0.00375; 1000 Genomes Project 0.00379; TOPMed 0.00585; ESP Exome Variant Server 0.00654; gnomAD 0.00823 and 0.00846; ExAC 0.00847; gnomAD exomes 0.00860.
gnomAD v4.1: 14,028 of 1,613,746 alleles (0.87%); highest among the groups gnomAD compares: Non-Finnish European, 0.91%; 90 homozygotes.

Submissions (5):

CeGaT Center for Human Genetics Tuebingen
Classification: Likely benign. Last evaluated: 2024-03-01. Review status: criteria provided, single submitter. Criteria: CeGaT Center For Human Genetics Tuebingen Variant Classification Criteria Version 2. Collection method: clinical testing. Allele origin: germline. Affected: yes. Observed: 3 variant alleles.
Comment: EXO1: BP4, BS2

Labcorp Genetics (formerly Invitae), Labcorp
Classification: Benign. Last evaluated: 2018-09-13. Review status: criteria provided, single submitter. Criteria: Invitae Variant Classification Sherloc (09022015). Collection method: clinical testing. Allele origin: germline.

Genetic Services Laboratory, University of Chicago
Classification: Likely benign. Last evaluated: 2016-08-16. Review status: criteria provided, single submitter. Criteria: ACMG Guidelines, 2015. Collection method: clinical testing. Allele origin: germline. Affected: no.

Breakthrough Genomics
Classification: Likely benign. Review status: criteria provided, single submitter. Criteria: ACMG Guidelines, 2015. Collection method: not provided. Allele origin: germline. Inheritance: Unknown mechanism. Affected: yes.

PreventionGenetics, part of Exact Sciences
Classification: Likely benign for EXO1-related condition. Last evaluated: 2019-05-09. Review status: no assertion criteria provided. Collection method: clinical testing. Allele origin: germline. Not counted in ClinVar's aggregate classification.
Comment: This variant is classified as likely benign based on ACMG/AMP sequence variant interpretation guidelines (Richards et al. 2015 PMID: 25741868, with internal and published modifications).

NM_130398.4(EXO1):c.2276G>A (p.Gly759Glu)

Gene: EXO1 (exonuclease 1; plus strand). Cytogenetic location: 1q43.
Variant type: single nucleotide variant.
Coding change: c.2276G>A on transcript NM_130398.4 (MANE Select); coding-DNA position 2276, G replaced by A.
Protein change: p.Gly759Glu; replaces glycine 759 with glutamic acid.
Molecular consequence: missense variant.
Genome position (GRCh38, 1-based): chr1:241,885,378, G>A. VCF-style: chr1-241885378-G-A. GRCh37 (hg19) VCF-style: chr1-242048680-G-A.
Other names: c.2273G>A, p.Gly758Glu (NM_001319224.2); c.2276G>A, p.Gly759Glu (NM_003686.4, NM_006027.4); c.2276G>A (NM_130398.3); short protein forms G759E, G758E.
Identifiers: ClinVar variation 435103 (VCV000435103.35), dbSNP rs4150001, ClinGen allele CA1481580.
Genomic context (GRCh38, chr1:241,885,378, plus strand): 5'-CTGGGCTATATAAGTCCAGTTCTGCAGACTCTCTTTCTACAACCAAGATCAAACCTCTAG[G>A]ACCTGCCAGAGCCAGTGGGCTGAGCAAGAAGCCGGCAAGCATCCAGAAGAGAAAGCATCA-3'
Protein context (NP_569082.2, residues 749-769): SLSTTKIKPL[Gly759Glu]PARASGLSKK